The following is an entry in ClinVar:

NM_007332.3(TRPA1):c.682A>C (p.Arg228=)

Gene: TRPA1 (transient receptor potential cation channel subfamily A member 1; minus strand). Cytogenetic location: 8q21.11.
Variant type: single nucleotide variant.
Coding change: c.682A>C on transcript NM_007332.3 (MANE Select); coding-DNA position 682, A replaced by C.
Protein change: p.Arg228=; no amino-acid change (arginine 228 retained).
Molecular consequence: synonymous variant.
Genome position (GRCh38, 1-based): chr8:72,062,924, T>G on the plus strand (A>C on the coding strand, the complement: TRPA1 is on the minus strand). VCF-style: chr8-72062924-T-G. GRCh37 (hg19) VCF-style: chr8-72975159-T-G.
Identifiers: ClinVar variation 3049590 (VCV003049590.2), dbSNP rs61736344, ClinGen allele CA4781138.

ClinVar aggregate classification (germline): Benign (0 of 4 stars; one submission).

Conditions:
TRPA1-related disorder. Also called: TRPA1-related condition.

Allele frequency attached by ClinVar (database versions not stated): gnomAD exomes 0.00014; ExAC 0.00039; 1000 Genomes Project 0.00040; 1000 Genomes Project 30x 0.00047; gnomAD 0.00164; ESP Exome Variant Server 0.00177; TOPMed 0.00188.
gnomAD v4.1: 469 of 1,613,966 alleles (0.029%); highest among the groups gnomAD compares: African/African-American, 0.55%; 1 homozygote.

Submission:

PreventionGenetics, part of Exact Sciences
Classification: Benign for TRPA1-related condition. Last evaluated: 2020-03-12. Review status: no assertion criteria provided. Collection method: clinical testing. Allele origin: germline.
Comment: This variant is classified as benign based on ACMG/AMP sequence variant interpretation guidelines (Richards et al. 2015 PMID: 25741868, with internal and published modifications).